The following is an entry in ClinVar:

ClinVar aggregate classification (germline): Uncertain significance. Review status: criteria provided, single submitter (1 of 4 stars). 2 submissions from 2 submitters: Uncertain significance (1). 1 of the submissions does not count toward it. Last evaluated 2025-11-19.

Conditions:
PCNT-related disorder. Also called: PCNT-related condition.

gnomAD v4.1: 17 of 1,613,888 alleles (0.0011%); highest among the groups gnomAD compares: Admixed American, 0.015%; no homozygotes.

Submissions (2):

GeneDx
Classification: Uncertain significance. Last evaluated: 2025-11-19. Review status: criteria provided, single submitter. Criteria: GeneDx Variant Classification Process June 2021. Collection method: clinical testing. Allele origin: germline.
Comment: In silico analysis supports that this missense variant has a deleterious effect on protein structure/function; Has not been previously published as pathogenic or benign to our knowledge

PreventionGenetics, part of Exact Sciences
Classification: Uncertain significance for PCNT-related condition. Last evaluated: 2024-09-03. Review status: no assertion criteria provided. Collection method: clinical testing. Allele origin: germline. Not counted in ClinVar's aggregate classification.
Comment: The PCNT c.8066A>T variant is predicted to result in the amino acid substitution p.Glu2689Val. To our knowledge, this variant has not been reported in the literature. This variant is reported in 0.017% of alleles in individuals of Latino descent in gnomAD. At this time, the clinical significance of this variant is uncertain due to the absence of conclusive functional and genetic evidence.

NM_006031.6(PCNT):c.8066A>T (p.Glu2689Val)

Gene: PCNT (pericentrin; plus strand). Cytogenetic location: 21q22.3.
Variant type: single nucleotide variant.
Coding change: c.8066A>T on transcript NM_006031.6 (MANE Select); coding-DNA position 8066, A replaced by T.
Protein change: p.Glu2689Val; replaces glutamic acid 2689 with valine.
Molecular consequence: missense variant.
Genome position (GRCh38, 1-based): chr21:46,431,530, A>T. VCF-style: chr21-46431530-A-T. GRCh37 (hg19) VCF-style: chr21-47851444-A-T.
Other names: c.7712A>T, p.Glu2571Val (NM_001315529.2); short protein forms E2571V, E2689V.
Identifiers: ClinVar variation 3351325 (VCV003351325.3).